The following is an entry in ClinVar:

NM_201384.3(PLEC):c.9071A>G (p.Asn3024Ser)

Gene: PLEC (plectin; minus strand). Cytogenetic location: 8q24.3.
Variant type: single nucleotide variant.
Coding change: c.9071A>G on transcript NM_201384.3 (MANE Select); coding-DNA position 9071, A replaced by G.
Protein change: p.Asn3024Ser; replaces asparagine 3024 with serine.
Molecular consequence: missense variant.
Genome position (GRCh38, 1-based): chr8:143,920,750, T>C on the plus strand (A>G on the coding strand, the complement: PLEC is on the minus strand). VCF-style: chr8-143920750-T-C. GRCh37 (hg19) VCF-style: chr8-144994918-T-C.
Other names: c.8975A>G, p.Asn2992Ser (NM_201381.3); c.9071A>G, p.Asn3024Ser (NM_201382.4); c.9083A>G, p.Asn3028Ser (NM_201383.3); c.9152A>G, p.Asn3051Ser (NM_000445.5); c.9029A>G, p.Asn3010Ser (NM_201378.4); c.9005A>G, p.Asn3002Ser (NM_201379.3); c.9482A>G, p.Asn3161Ser (NM_201380.4); short protein forms N2992S, N3002S, N3010S, N3024S, N3028S, N3051S, N3161S.
Identifiers: ClinVar variation 389069 (VCV000389069.10), dbSNP rs535089650, ClinGen allele CA4925087.

ClinVar aggregate classification (germline): Conflicting classifications of pathogenicity. Review status: criteria provided, conflicting classifications (1 of 4 stars). 3 submissions from 3 submitters: Uncertain significance (2); Likely benign (1). Last evaluated 2025-11-11.

Conditions:
Epidermolysis bullosa simplex with nail dystrophy (EBS5D). Identifiers: MedGen C4225309, MONDO:0014661, OMIM 616487.
Epidermolysis bullosa simplex 5B, with muscular dystrophy (EBS5B). Also called: EPIDERMOLYSIS BULLOSA SIMPLEX AND LIMB-GIRDLE MUSCULAR DYSTROPHY; Epidermolysis bullosa simplex with muscular dystrophy. Identifiers: Orphanet 257, MedGen C2931072, MONDO:0009181, OMIM 226670.
Epidermolysis bullosa simplex, Ogna type (EBS5A). Also called: Pidermolysis bullosa simplex 5A, Ogna type; EPIDERMOLYSIS BULLOSA SIMPLEX 5A, OGNA TYPE. Identifiers: Orphanet 79401, MedGen C0432317, MONDO:0007555, OMIM 131950.
Autosomal recessive limb-girdle muscular dystrophy type 2Q (LGMDR17). Also called: MUSCULAR DYSTROPHY, LIMB-GIRDLE, AUTOSOMAL RECESSIVE 17. Identifiers: Orphanet 254361, MedGen C3150989, MONDO:0013390, OMIM 613723.
Epidermolysis bullosa simplex 5C, with pyloric atresia (EBS5C). Also called: PLEC-Related Epidermolysis Bullosa with Pyloric Atresia; Epidermolysis bullosa simplex with pyloric atresia; PLEC1-Related Epidermolysis Bullosa with Pyloric Atresia. Identifiers: Orphanet 158684, MedGen C2677349, MONDO:0012807, OMIM 612138.
Inborn genetic diseases. Identifiers: MedGen C0950123, MeSH D030342.

Allele frequency attached by ClinVar (database versions not stated): TOPMed 0.00010; 1000 Genomes Project 30x 0.00016; 1000 Genomes Project 0.00020.
gnomAD v4.1: 119 of 1,605,462 alleles (0.0074%); highest among the groups gnomAD compares: Middle Eastern, 0.033%; 1 homozygote.

Submissions (3):

Labcorp Genetics (formerly Invitae), Labcorp
Classification: Uncertain significance for Autosomal recessive limb-girdle muscular dystrophy type 2Q; Epidermolysis bullosa simplex, Ogna type; Epidermolysis bullosa simplex with nail dystrophy; Epidermolysis bullosa simplex 5C, with pyloric atresia; Epidermolysis bullosa simplex 5B, with muscular dystrophy. Last evaluated: 2025-11-11. Review status: criteria provided, single submitter. Criteria: Invitae Variant Classification Sherloc (09022015). Collection method: clinical testing. Allele origin: germline.
Comment: This sequence change replaces asparagine, which is neutral and polar, with serine, which is neutral and polar, at codon 3051 of the PLEC protein (p.Asn3051Ser). This variant is present in population databases (rs535089650, gnomAD 0.03%). This variant has not been reported in the literature in individuals affected with PLEC-related conditions. ClinVar contains an entry for this variant (Variation ID: 389069). An algorithm developed to predict the effect of missense changes on protein structure and function outputs the following: PolyPhen-2: "Benign". The serine amino acid residue is found in multiple mammalian species, which suggests that this missense change does not adversely affect protein function. In summary, the available evidence is currently insufficient to determine the role of this variant in disease. Therefore, it has been classified as a Variant of Uncertain Significance.

Ambry Genetics
Classification: Uncertain significance for Inborn genetic diseases. Last evaluated: 2025-08-26. Review status: criteria provided, single submitter. Criteria: Ambry Variant Classification Scheme 2023. Collection method: clinical testing. Allele origin: germline.

GeneDx
Classification: Likely benign. Last evaluated: 2016-09-05. Review status: criteria provided, single submitter. Criteria: GeneDx Variant Classification (06012015). Collection method: clinical testing. Allele origin: germline. Affected: yes.
Comment: This variant is considered likely benign or benign based on one or more of the following criteria: it is a conservative change, it occurs at a poorly conserved position in the protein, it is predicted to be benign by multiple in silico algorithms, and/or has population frequency not consistent with disease.